The following is an entry in ClinVar:

NM_000232.5(SGCB):c.572del (p.Leu191fs)

Gene: SGCB (sarcoglycan beta; minus strand). Cytogenetic location: 4q12.
Variant type: Deletion.
Coding change: c.572del on transcript NM_000232.5 (MANE Select); coding-DNA position 572, one base deleted (T; older notation c.572delT).
Protein change: p.Leu191fs; shifts the reading frame from leucine 191.
Molecular consequence: frameshift variant.
Genome position (GRCh38, 1-based): chr4:52,028,779, A deleted on the plus strand (T on the coding strand, the reverse complement: SGCB is on the minus strand); the first of 3 consecutive A bases (chr4:52,028,779-52,028,781); deleting any one gives the same sequence. VCF-style (leftmost placement, unchanged base first): chr4-52028778-CA-C. GRCh37 (hg19) VCF-style: chr4-52894944-CA-C.
Other names: c.572del (NM_000232.4); short protein forms L191fs.
Identifiers: ClinVar variation 283057 (VCV000283057.8), dbSNP rs886042546, ClinGen allele CA10604382.

ClinVar aggregate classification (germline): Pathogenic. Review status: criteria provided, multiple submitters, no conflicts (2 of 4 stars). 4 submissions from 4 submitters: Pathogenic (4). Last evaluated 2024-12-22.

Conditions:
Autosomal recessive limb-girdle muscular dystrophy type 2E (LGMDR4). Also called: MUSCULAR DYSTROPHY, LIMB-GIRDLE, AUTOSOMAL RECESSIVE 4. Identifiers: Orphanet 119, MedGen C1858593, MONDO:0011423, OMIM 604286. Disease mechanism: Affects gamma-sarcoglycan and also disrupts the integrity of the entire sarcoglycan complex..

Submissions (4):

Myriad Genetics, Inc.
Classification: Pathogenic for Autosomal recessive limb-girdle muscular dystrophy type 2E. Last evaluated: 2024-12-22. Review status: criteria provided, single submitter. Criteria: Myriad Autosomal Dominant, Autosomal Recessive and X-Linked Classification Criteria (2023). Collection method: clinical testing. Allele origin: unknown.
Comment: NM_000232.4(SGCB):c.572delT(L191Cfs*5) is expected to be pathogenic in the context of beta-sarcoglycanopathy. This variant is predicted to lead to an abnormal or absent protein product due to the creation of a premature termination codon in SGCB, a gene where loss-of-function variants are known to be pathogenic. Please note: this variant was assessed in the context of healthy population screening.

Revvity Omics, Revvity
Classification: Pathogenic for Autosomal recessive limb-girdle muscular dystrophy type 2E. Last evaluated: 2024-05-30. Review status: criteria provided, single submitter. Criteria: ACMG Guidelines, 2015. Collection method: clinical testing. Allele origin: germline.

Baylor Genetics
Classification: Pathogenic for Autosomal recessive limb-girdle muscular dystrophy type 2E. Last evaluated: 2023-07-19. Review status: criteria provided, single submitter. Criteria: ACMG Guidelines, 2015. Collection method: clinical testing. Allele origin: unknown.

Eurofins Ntd Llc (ga)
Classification: Pathogenic. Last evaluated: 2015-09-01. Review status: criteria provided, single submitter. Criteria: EGL Classification Definitions 2015. Collection method: clinical testing. Allele origin: germline. Observed: 1 variant allele, 1 homozygote.